The following is an entry in ClinVar:

NM_052876.4(NACC1):c.1174G>A (p.Gly392Ser)

Gene: NACC1 (nucleus accumbens associated 1; plus strand). Cytogenetic location: 19p13.13.
Variant type: single nucleotide variant.
Coding change: c.1174G>A on transcript NM_052876.4 (MANE Select); coding-DNA position 1174, G replaced by A.
Protein change: p.Gly392Ser; replaces glycine 392 with serine.
Molecular consequence: missense variant.
Genome position (GRCh38, 1-based): chr19:13,137,324, G>A. VCF-style: chr19-13137324-G-A. GRCh37 (hg19) VCF-style: chr19-13248138-G-A.
Other names: short protein forms G392S.
Identifiers: ClinVar variation 4088205 (VCV004088205.1).

ClinVar aggregate classification (germline): Uncertain significance (1 of 4 stars; one submission).

Submission:

GeneDx
Classification: Uncertain significance. Last evaluated: 2025-03-21. Review status: criteria provided, single submitter. Criteria: GeneDx Variant Classification Process June 2021. Collection method: clinical testing. Allele origin: germline. Affected: yes.
Comment: Not observed at significant frequency in large population cohorts (gnomAD); In silico analysis indicates that this missense variant does not alter protein structure/function; Has not been previously published as pathogenic or benign to our knowledge